The following is an entry in ClinVar:

ClinVar aggregate classification (germline): Pathogenic/Likely pathogenic. Review status: criteria provided, multiple submitters, no conflicts (2 of 4 stars). 2 submissions from 2 submitters: Pathogenic (1); Likely pathogenic (1). Last evaluated 2023-09-25.

Conditions:
Pitt-Hopkins syndrome (PTHS). Also called: ENCEPHALOPATHY, SEVERE EPILEPTIC, WITH AUTONOMIC DYSFUNCTION; MENTAL RETARDATION, SYNDROMAL, WITH INTERMITTENT HYPERVENTILATION. Identifiers: Orphanet 2896, MedGen C1970431, MONDO:0012589, OMIM 610954.

Submissions (2):

Illumina Laboratory Services, Illumina
Classification: Likely pathogenic for Pitt-Hopkins syndrome. Last evaluated: 2023-09-25. Review status: criteria provided, single submitter. Criteria: ICSLVariantClassificationCriteria RUGD 01 April 2020. Collection method: clinical testing. Allele origin: unknown.
Comment: The TCF4 c.1832T>C (p.Leu611Pro) missense variant lies within the highly conserved bHLH domain of the TCF4 protein. To our knowledge, this variant has not been reported in the peer-reviewed literature. This variant is not observed in version 2.1.1 or version 3.1.2 of the Genome Aggregation Database. Multiple lines of computational evidence suggest the variant may impact the gene or gene product. Based on the available evidence the c.1832T>C (p.Leu611Pro) variant is classified as likely pathogenic for Pitt-Hopkins syndrome.

GeneDx
Classification: Pathogenic. Last evaluated: 2022-09-15. Review status: criteria provided, single submitter. Criteria: GeneDx Variant Classification Process June 2021. Collection method: clinical testing. Allele origin: germline. Affected: yes.
Comment: In silico analysis supports that this missense variant has a deleterious effect on protein structure/function; Not observed at significant frequency in large population cohorts (gnomAD); Has not been previously published as pathogenic or benign to our knowledge

NM_001083962.2(TCF4):c.1832T>C (p.Leu611Pro)

Gene: TCF4 (transcription factor 4; minus strand). Cytogenetic location: 18q21.2.
Variant type: single nucleotide variant.
Coding change: c.1832T>C on transcript NM_001083962.2 (MANE Select); coding-DNA position 1832, T replaced by C.
Protein change: p.Leu611Pro; replaces leucine 611 with proline.
Molecular consequence: missense variant.
Genome position (GRCh38, 1-based): chr18:55,228,894, A>G on the plus strand (T>C on the coding strand, the complement: TCF4 is on the minus strand). VCF-style: chr18-55228894-A-G. GRCh37 (hg19) VCF-style: chr18-52896125-A-G.
Other names: c.2138T>C, p.Leu713Pro (NM_001243226.3); c.1760T>C, p.Leu587Pro (NM_001243227.2, NM_001348218.2, NM_001348217.1 and 1 more transcripts); c.1850T>C, p.Leu617Pro (NM_001243228.2); c.1811T>C, p.Leu604Pro (NM_001243230.2); c.1694T>C, p.Leu565Pro (NM_001243231.2); c.1619T>C, p.Leu540Pro (NM_001243232.1); c.1430T>C, p.Leu477Pro (NM_001243233.2, NM_001348212.2); c.1352T>C, p.Leu451Pro (NM_001243234.2, NM_001348216.2); and 14 more; short protein forms L395P, L446P, L447P, L451P, L477P, L481P, L536P, L540P.
Identifiers: ClinVar variation 1706281 (VCV001706281.3), dbSNP rs2511496807, ClinGen allele CA402528415.
Genomic context (GRCh38, chr18:55,228,894, plus strand): 5'-GGCCTGCACTGACCTCGGACTTGCTGCTCCAGACTGAGGATGACGGCCACCGCCTGGTGG[A>G]GGATCAGGAGCTTGGTCTGGGGCTTGTCACTCTTGAGGTGGAGCTGCACCATGCGGCCGA-3'
Protein context (NP_001077431.1, residues 601-621): SDKPQTKLLI[Leu611Pro]HQAVAVILSL